The following is an entry in ClinVar:

ClinVar aggregate classification (germline): Pathogenic (1 of 4 stars; one submission).

Conditions:
Congenital myotonia, autosomal recessive form. Also called: Becker Generalized Myotonia; BECKER DISEASE; myotonia congenita, autosomal recessive. Identifiers: Orphanet 614, MedGen C0751360, MONDO:0009715, OMIM 255700.
Congenital myotonia, autosomal dominant form (THD). Also called: THOMSEN DISEASE; Myotonia congenita autosomal dominant. Identifiers: Orphanet 614, MedGen C2936781, MONDO:0008055, OMIM 160800.

Submission:

Labcorp Genetics (formerly Invitae), Labcorp
Classification: Pathogenic for Congenital myotonia, autosomal recessive form; Congenital myotonia, autosomal dominant form. Last evaluated: 2022-07-06. Review status: criteria provided, single submitter. Criteria: Invitae Variant Classification Sherloc (09022015). Collection method: clinical testing. Allele origin: germline.
Comment: For these reasons, this variant has been classified as Pathogenic. This variant has not been reported in the literature in individuals affected with CLCN1-related conditions. This variant is a gross deletion of the genomic region encompassing exon(s) 17-20 of the CLCN1 gene. This deletion is out-of-frame, and is expected to create a premature termination codon and result in an absent or disrupted protein product. Loss-of-function variants in CLCN1 are known to be pathogenic (PMID: 17932099, 22094069, 23739125).

Literature cited by the submitters: PubMed 17932099; PubMed 22094069; PubMed 23739125.

NC_000007.13:g.(?_143042594)_(143044062_?)del

Gene: CLCN1 (chloride voltage-gated channel 1; plus strand). Cytogenetic location: 7q34.
Variant type: Deletion.
Identifiers: ClinVar variation 1459940 (VCV001459940.5).